The following is an entry in ClinVar:

NM_012144.4(DNAI1):c.1825A>T (p.Ile609Leu)

Gene: DNAI1 (dynein axonemal intermediate chain 1; plus strand). Cytogenetic location: 9p13.3.
Variant type: single nucleotide variant.
Coding change: c.1825A>T on transcript NM_012144.4 (MANE Select); coding-DNA position 1825, A replaced by T.
Protein change: p.Ile609Leu; replaces isoleucine 609 with leucine.
Molecular consequence: missense variant.
Genome position (GRCh38, 1-based): chr9:34,517,291, A>T. VCF-style: chr9-34517291-A-T. GRCh37 (hg19) VCF-style: chr9-34517289-A-T.
Other names: c.1837A>T, p.Ile613Leu (NM_001281428.2); short protein forms I609L, I613L.
Identifiers: ClinVar variation 163166 (VCV000163166.6), dbSNP rs727502978, ClinGen allele CA175822.

ClinVar aggregate classification (germline): Uncertain significance. Review status: criteria provided, multiple submitters, no conflicts (2 of 4 stars). 3 submissions from 3 submitters: Uncertain significance (2). 1 of the submissions does not count toward it. Last evaluated 2025-07-22.

Conditions:
Primary ciliary dyskinesia. Also called: Ciliary dyskinesia. Identifiers: Orphanet 244, MedGen C0008780, MONDO:0016575, HP:0012265.
Kartagener syndrome (CILD1). Also called: IMMOTILE CILIA SYNDROME; POLYNESIAN BRONCHIECTASIS; Dextrocardia bronchiectasis and sinusitis; CILIARY DYSKINESIA, PRIMARY, 1; CILIARY DYSKINESIA, PRIMARY, 1, WITH OR WITHOUT SITUS INVERSUS; SIEWERT SYNDROME. Identifiers: Orphanet 244, MedGen C4551906, MONDO:0009484, OMIM 244400.

gnomAD v4.1: 16 of 1,613,784 alleles (0.00099%); highest among the groups gnomAD compares: Non-Finnish European, 0.0011%; no homozygotes.

Submissions (3):

Labcorp Genetics (formerly Invitae), Labcorp
Classification: Uncertain significance for Primary ciliary dyskinesia. Last evaluated: 2025-07-22. Review status: criteria provided, single submitter. Criteria: Invitae Variant Classification Sherloc (09022015). Collection method: clinical testing. Allele origin: germline.
Comment: This variant is not present in population databases (gnomAD no frequency). This variant has not been reported in the literature in individuals affected with DNAI1-related conditions. ClinVar contains an entry for this variant (Variation ID: 163166). Invitae Evidence Modeling of protein sequence and biophysical properties (such as structural, functional, and spatial information, amino acid conservation, physicochemical variation, residue mobility, and thermodynamic stability) indicates that this missense variant is not expected to disrupt DNAI1 protein function with a negative predictive value of 95%. In summary, the available evidence is currently insufficient to determine the role of this variant in disease. Therefore, it has been classified as a Variant of Uncertain Significance.

Laboratory for Molecular Medicine, Mass General Brigham Personalized Medicine
Classification: Uncertain significance. Last evaluated: 2013-10-11. Review status: criteria provided, single submitter. Criteria: LMM Criteria. Collection method: clinical testing. Allele origin: germline. Observed: 1 variant allele.
Comment: The Ile609Leu variant in DNAI1 has not been previously identified in individuals with pulmonary disease or in large population studies. This residue is poorly c onserved in evolution, suggesting that the change may be tolerated. Computation al analyses (biochemical amino acid properties, AlignGVGD, PolyPhen2, and SIFT) suggest that the variant may not impact the protein, though this information is not predictive enough to rule out pathogenicity. In summary, additional informat ion is needed to fully assess the clinical significance of this variant.

Counsyl
Classification: Uncertain significance for Kartagener syndrome. Last evaluated: 2018-03-30. Review status: no assertion criteria provided. Collection method: clinical testing. Allele origin: unknown. Not counted in ClinVar's aggregate classification.